The following is an entry in ClinVar:

NM_004104.5(FASN):c.2149A>G (p.Ile717Val)

Gene: FASN (fatty acid synthase; minus strand). Cytogenetic location: 17q25.3.
Variant type: single nucleotide variant.
Coding change: c.2149A>G on transcript NM_004104.5 (MANE Select); coding-DNA position 2149, A replaced by G.
Protein change: p.Ile717Val; replaces isoleucine 717 with valine.
Molecular consequence: missense variant.
Genome position (GRCh38, 1-based): chr17:82,089,124, T>C on the plus strand (A>G on the coding strand, the complement: FASN is on the minus strand). VCF-style: chr17-82089124-T-C. GRCh37 (hg19) VCF-style: chr17-80047000-T-C.
Other names: c.2149A>G (NM_004104.4); short protein forms I717V.
Identifiers: ClinVar variation 1034530 (VCV001034530.10), dbSNP rs139717954, ClinGen allele CA8852885.
Genomic context (GRCh38, chr17:82,089,124, plus strand): 5'-TGACATTGTACTCGGCGGAGGACGTGCGTGCCAGGCTGCTGTGCCACTGGGCCTCGGGGA[T>C]AGAGGTGCTGAGCCAGCGGGCTGAACGTGGCTTCGGCTCCCGGATCACCTGCATGAGGGG-3'
Protein context (NP_004095.4, residues 707-727): PRSARWLSTS[Ile717Val]PEAQWHSSLA

ClinVar aggregate classification (germline): Uncertain significance. Review status: criteria provided, multiple submitters, no conflicts (2 of 4 stars). 2 submissions from 2 submitters: Uncertain significance (2). Last evaluated 2025-01-09.

Conditions:
Epileptic encephalopathy. Identifiers: MedGen C0543888, HP:0200134.

Allele frequency attached by ClinVar (database versions not stated): gnomAD exomes 0.00008 and 0.00010; TOPMed 0.00008; gnomAD 0.00009; ExAC 0.00010; 1000 Genomes Project 30x 0.00016; 1000 Genomes Project 0.00020; ESP Exome Variant Server 0.00039.
gnomAD v4.1: 155 of 1,567,450 alleles (0.0099%); highest among the groups gnomAD compares: Non-Finnish European, 0.012%; no homozygotes.

Submissions (2):

Labcorp Genetics (formerly Invitae), Labcorp
Classification: Uncertain significance for Epileptic encephalopathy. Last evaluated: 2025-01-09. Review status: criteria provided, single submitter. Criteria: Invitae Variant Classification Sherloc (09022015). Collection method: clinical testing. Allele origin: germline.
Comment: This sequence change replaces isoleucine, which is neutral and non-polar, with valine, which is neutral and non-polar, at codon 717 of the FASN protein (p.Ile717Val). This variant is present in population databases (rs139717954, gnomAD 0.02%). This variant has not been reported in the literature in individuals affected with FASN-related conditions. ClinVar contains an entry for this variant (Variation ID: 1034530). An algorithm developed to predict the effect of missense changes on protein structure and function outputs the following: PolyPhen-2: "Benign". The valine amino acid residue is found in multiple mammalian species, which suggests that this missense change does not adversely affect protein function. In summary, the available evidence is currently insufficient to determine the role of this variant in disease. Therefore, it has been classified as a Variant of Uncertain Significance.

Ambry Genetics
Classification: Uncertain significance. Last evaluated: 2021-08-09. Review status: criteria provided, single submitter. Criteria: Ambry Variant Classification Scheme 2023. Collection method: clinical testing. Allele origin: germline.